The following is an entry in ClinVar:

ClinVar aggregate classification (germline): Uncertain significance. Review status: criteria provided, multiple submitters, no conflicts (2 of 4 stars). 2 submissions from 2 submitters: Uncertain significance (2). Last evaluated 2024-11-11.

Conditions:
Adams-Oliver syndrome 5 (AOS5). Identifiers: Orphanet 974, MedGen C4014970, MONDO:0014459, OMIM 616028.
Familial thoracic aortic aneurysm and aortic dissection (TAAD). Also called: Thoracic aortic aneurysms and dissections. Identifiers: Orphanet 91387, MedGen C4707243, MONDO:0019625.

Allele frequency attached by ClinVar (database versions not stated): TOPMed below 0.00001.

Submissions (2):

Labcorp Genetics (formerly Invitae), Labcorp
Classification: Uncertain significance for Adams-Oliver syndrome 5. Last evaluated: 2024-11-11. Review status: criteria provided, single submitter. Criteria: Invitae Variant Classification Sherloc (09022015). Collection method: clinical testing. Allele origin: germline.
Comment: This sequence change replaces glutamic acid, which is acidic and polar, with lysine, which is basic and polar, at codon 1812 of the NOTCH1 protein (p.Glu1812Lys). This variant is not present in population databases (gnomAD no frequency). This variant has not been reported in the literature in individuals affected with NOTCH1-related conditions. ClinVar contains an entry for this variant (Variation ID: 1003369). Invitae Evidence Modeling of protein sequence and biophysical properties (such as structural, functional, and spatial information, amino acid conservation, physicochemical variation, residue mobility, and thermodynamic stability) indicates that this missense variant is not expected to disrupt NOTCH1 protein function with a negative predictive value of 80%. In summary, the available evidence is currently insufficient to determine the role of this variant in disease. Therefore, it has been classified as a Variant of Uncertain Significance.

Ambry Genetics
Classification: Uncertain significance for Familial thoracic aortic aneurysm and aortic dissection. Last evaluated: 2023-07-13. Review status: criteria provided, single submitter. Criteria: Ambry Variant Classification Scheme 2023. Collection method: clinical testing. Allele origin: germline.
Comment: The p.E1812K variant (also known as c.5434G>A), located in coding exon 29 of the NOTCH1 gene, results from a G to A substitution at nucleotide position 5434. The glutamic acid at codon 1812 is replaced by lysine, an amino acid with similar properties. This amino acid position is conserved. In addition, the in silico prediction for this alteration is inconclusive. Since supporting evidence is limited at this time, the clinical significance of this alteration remains unclear.

NM_017617.5(NOTCH1):c.5434G>A (p.Glu1812Lys)

Gene: NOTCH1 (notch receptor 1; minus strand). Cytogenetic location: 9q34.3.
Variant type: single nucleotide variant.
Coding change: c.5434G>A on transcript NM_017617.5 (MANE Select); coding-DNA position 5434, G replaced by A.
Protein change: p.Glu1812Lys; replaces glutamic acid 1812 with lysine.
Molecular consequence: missense variant.
Genome position (GRCh38, 1-based): chr9:136,502,039, C>T on the plus strand (G>A on the coding strand, the complement: NOTCH1 is on the minus strand). VCF-style: chr9-136502039-C-T. GRCh37 (hg19) VCF-style: chr9-139396491-C-T.
Other names: c.5434G>A (NM_017617.3); short protein forms E1812K.
Identifiers: ClinVar variation 1003369 (VCV001003369.11), dbSNP rs1843005451, ClinGen allele CA375640025.